The following is an entry in ClinVar:

ClinVar aggregate classification (germline): Uncertain significance (1 of 4 stars; one submission).

Conditions:
TP63-related disorder. Also called: TP63-related condition; TP63-Related Disorders. Identifiers: MedGen CN380159.

gnomAD v4.1: 1 of 1,614,110 alleles (0.000062%); highest among the groups gnomAD compares: Non-Finnish European, 0.000085%; no homozygotes.

Submission:

PreventionGenetics, part of Exact Sciences
Classification: Uncertain significance for TP63-related condition. Last evaluated: 2025-11-11. Review status: criteria provided, single submitter. Criteria: ACMG Guidelines, 2015. Collection method: clinical testing. Allele origin: germline.
Comment: The TP63 c.275G>A variant is predicted to result in the amino acid substitution p.Ser92Asn. To our knowledge, this variant has not been reported in the literature or in a large population database (gnomAD), indicating this variant is rare. At this time, the clinical significance of this variant is uncertain due to the absence of conclusive functional and genetic evidence.

NM_003722.5(TP63):c.275G>A (p.Ser92Asn)

Gene: TP63 (tumor protein p63; plus strand). Cytogenetic location: 3q28.
Variant type: single nucleotide variant.
Coding change: c.275G>A on transcript NM_003722.5 (MANE Select); coding-DNA position 275, G replaced by A.
Protein change: p.Ser92Asn; replaces serine 92 with asparagine.
Molecular consequence: missense variant.
Genome position (GRCh38, 1-based): chr3:189,738,725, G>A. VCF-style: chr3-189738725-G-A. GRCh37 (hg19) VCF-style: chr3-189456514-G-A.
Other names: c.275G>A, p.Ser92Asn (NM_001114978.2, NM_001114979.2, NM_001329144.2 and 1 more transcripts); c.269G>A, p.Ser90Asn (NM_001329964.2); short protein forms S92N, S90N.
Identifiers: ClinVar variation 4993950 (VCV004993950.1).